The following is an entry in ClinVar:

ClinVar aggregate classification (germline): Uncertain significance. Review status: criteria provided, single submitter (1 of 4 stars). 2 submissions from 2 submitters: Uncertain significance (1). 1 of the submissions does not count toward it. Last evaluated 2019-09-25.

Conditions:
Microcephaly, cataracts, impaired intellectual development, and dystonia with abnormal striatum. Identifiers: MedGen C4748984, MONDO:0032656, OMIM 618284.

Allele frequency attached by ClinVar (database versions not stated): TOPMed 0.00001.
gnomAD v4.1: 54 of 1,613,790 alleles (0.0033%); highest among the groups gnomAD compares: Middle Eastern, 0.082%; no homozygotes.

Submissions (2):

Baylor Genetics
Classification: Uncertain significance for Microcephaly, cataracts, impaired intellectual development, and dystonia with abnormal striatum. Last evaluated: 2019-09-25. Review status: criteria provided, single submitter. Criteria: ACMG Guidelines, 2015. Collection method: clinical testing. Allele origin: unknown. Affected: yes.
Comment: This variant was determined to be of uncertain significance according to ACMG Guidelines, 2015 [PMID:25741868].

OMIM
Classification: Pathogenic for MICROCEPHALY, CATARACTS, IMPAIRED INTELLECTUAL DEVELOPMENT, AND DYSTONIA WITH ABNORMAL STRIATUM (1 family). Last evaluated: 2021-05-18. Review status: no assertion criteria provided. Collection method: literature only. Allele origin: germline. Not counted in ClinVar's aggregate classification.

Literature cited by the submitters: PubMed 23181898 (cited by OMIM); PubMed 27582084 (cited by OMIM).

NM_002233.4(KCNA4):c.266G>A (p.Arg89Gln)

Gene: KCNA4 (potassium voltage-gated channel subfamily A member 4; minus strand). Cytogenetic location: 11p14.1.
Variant type: single nucleotide variant.
Coding change: c.266G>A on transcript NM_002233.4 (MANE Select); coding-DNA position 266, G replaced by A.
Protein change: p.Arg89Gln; replaces arginine 89 with glutamine.
Molecular consequence: missense variant.
Genome position (GRCh38, 1-based): chr11:30,012,413, C>T on the plus strand (G>A on the coding strand, the complement: KCNA4 is on the minus strand). VCF-style: chr11-30012413-C-T. GRCh37 (hg19) VCF-style: chr11-30033960-C-T.
Other names: short protein forms R89Q.
Identifiers: ClinVar variation 599408 (VCV000599408.3), dbSNP rs779101828, ClinGen allele CA5930658.
Genomic context (GRCh38, chr11:30,012,413, plus strand): 5'-ATCAGGTCAGAGCAATGAGGGAAGCTGCTCTGCCGGTAGTGGGCTTTCTTCTTCTCAGAC[C>T]GCTGTCGCCTCCTCCTCCGACTACCCCGGCTGCTCTGAGGGTCATGGGAGGTACAGGCCC-3'
Protein context (NP_002224.1, residues 79-99): SRGSRRRRRQ[Arg89Gln]SEKKKAHYRQ